The following is an entry in ClinVar:

ClinVar aggregate classification (germline): Uncertain significance (1 of 4 stars; one submission).

Conditions:
Hypertrophic cardiomyopathy. Also called: HYPERTROPHIC MYOCARDIOPATHY. Identifiers: Orphanet 217569, MedGen C0007194, MeSH D002312, MONDO:0005045, HP:0001639.

Submission:

Labcorp Genetics (formerly Invitae), Labcorp
Classification: Uncertain significance for Hypertrophic cardiomyopathy. Last evaluated: 2019-01-26. Review status: criteria provided, single submitter. Criteria: Invitae Variant Classification Sherloc (09022015). Collection method: clinical testing. Allele origin: germline.
Comment: This sequence change replaces threonine with lysine at codon 255 of the MYH7 protein (p.Thr255Lys). The threonine residue is highly conserved and there is a moderate physicochemical difference between threonine and lysine. In summary, the available evidence is currently insufficient to determine the role of this variant in disease. Therefore, it has been classified as a Variant of Uncertain Significance. This variant is found within a region of MYH7 between codons 181 and 937 that contains the majority of the myosin head domain. Missense variants in this region have been shown to be significantly overrepresented in individuals with hypertrophic cardiomyopathy (PMID: 27532257). Algorithms developed to predict the effect of missense changes on protein structure and function (SIFT, PolyPhen-2, Align-GVGD) all suggest that this variant is likely to be tolerated, but these predictions have not been confirmed by published functional studies and their clinical significance is uncertain. This variant has not been reported in the literature in individuals with MYH7-related conditions. This variant is not present in population databases (ExAC no frequency).

Literature cited by the submitters: PubMed 27532257.

NM_000257.4(MYH7):c.764C>A (p.Thr255Lys)

Gene: MYH7 (myosin heavy chain 7; minus strand). Cytogenetic location: 14q11.2.
Variant type: single nucleotide variant.
Coding change: c.764C>A on transcript NM_000257.4 (MANE Select); coding-DNA position 764, C replaced by A.
Protein change: p.Thr255Lys; replaces threonine 255 with lysine.
Molecular consequence: missense variant.
Genome position (GRCh38, 1-based): chr14:23,431,450, G>T on the plus strand (C>A on the coding strand, the complement: MYH7 is on the minus strand). VCF-style: chr14-23431450-G-T. GRCh37 (hg19) VCF-style: chr14-23900659-G-T.
Other names: short protein forms T255K.
Identifiers: ClinVar variation 849519 (VCV000849519.9), dbSNP rs1892933875, ClinGen allele CA389052102.